The following is an entry in ClinVar:

NM_000027.4(AGA):c.757G>A (p.Ala253Thr)

Gene: AGA (aspartylglucosaminidase; minus strand). Cytogenetic location: 4q34.3.
Variant type: single nucleotide variant.
Coding change: c.757G>A on transcript NM_000027.4 (MANE Select); coding-DNA position 757, G replaced by A.
Protein change: p.Ala253Thr; replaces alanine 253 with threonine.
Molecular consequence: missense variant. On other transcripts: non-coding transcript variant (1).
Genome position (GRCh38, 1-based): chr4:177,434,431, C>T on the plus strand (G>A on the coding strand, the complement: AGA is on the minus strand). VCF-style: chr4-177434431-C-T. GRCh37 (hg19) VCF-style: chr4-178355585-C-T.
Other names: c.727G>A, p.Ala243Thr (NM_001171988.2); short protein forms A243T, A253T.
Identifiers: ClinVar variation 1000280 (VCV001000280.2), dbSNP rs1736735409, ClinGen allele CA358782248.

ClinVar aggregate classification (germline): Uncertain significance (1 of 4 stars; one submission).

Conditions:
Aspartylglucosaminuria (AGU). Also called: AGA DEFICIENCY; GLYCOASPARAGINASE; GLYCOSYLASPARAGINASE DEFICIENCY; Aspartylglucos-aminuria; Aspartylglucos-amidase (AGA) deficiency. Identifiers: Orphanet 93, MedGen C0268225, MONDO:0008830, OMIM 208400, HP:0012068.

Allele frequency attached by ClinVar (database versions not stated): gnomAD exomes below 0.00001.
gnomAD v4.1: 2 of 1,614,186 alleles (0.00012%); highest among the groups gnomAD compares: South Asian, 0.0011%; no homozygotes.

Submission:

Labcorp Genetics (formerly Invitae), Labcorp
Classification: Uncertain significance for Aspartylglucosaminuria. Last evaluated: 2021-09-02. Review status: criteria provided, single submitter. Criteria: Invitae Variant Classification Sherloc (09022015). Collection method: clinical testing. Allele origin: germline.
Comment: This sequence change replaces alanine with threonine at codon 253 of the AGA protein (p.Ala253Thr). The alanine residue is moderately conserved and there is a small physicochemical difference between alanine and threonine. This variant is not present in population databases (ExAC no frequency). This variant has not been reported in the literature in individuals affected with AGA-related conditions. Advanced modeling of protein sequence and biophysical properties (such as structural, functional, and spatial information, amino acid conservation, physicochemical variation, residue mobility, and thermodynamic stability) performed at Invitae indicates that this missense variant is expected to disrupt AGA protein function. In summary, the available evidence is currently insufficient to determine the role of this variant in disease. Therefore, it has been classified as a Variant of Uncertain Significance.